The following is an entry in ClinVar:

NM_005035.4(POLRMT):c.767G>A (p.Arg256Gln)

Gene: POLRMT (RNA polymerase mitochondrial; minus strand). Cytogenetic location: 19p13.3.
Variant type: single nucleotide variant.
Coding change: c.767G>A on transcript NM_005035.4 (MANE Select); coding-DNA position 767, G replaced by A.
Protein change: p.Arg256Gln; replaces arginine 256 with glutamine.
Molecular consequence: missense variant.
Genome position (GRCh38, 1-based): chr19:629,595, C>T on the plus strand (G>A on the coding strand, the complement: POLRMT is on the minus strand). VCF-style: chr19-629595-C-T. GRCh37 (hg19) VCF-style: chr19-629595-C-T.
Other names: c.767G>A, p.Arg256Gln (NM_001407805.1, NM_001407806.1, NM_001407807.1 and 12 more transcripts); c.443G>A, p.Arg148Gln (NM_001407831.1, NM_001407833.1, NM_001407834.1 and 2 more transcripts); short protein forms R148Q, R256Q.
Identifiers: ClinVar variation 2368415 (VCV002368415.26), dbSNP rs140683573, ClinGen allele CA9020639.
Genomic context (GRCh38, chr19:629,595, plus strand): 5'-CTCACCTGCCGCGCCCAGCCAAGCATCACGGCGTTGTACATGTCCAGCGTGAGCAGCTTC[C>T]GCTTCTGCCGCTGGCCGTGGTGGACGACCAGCAGGTGGTGGGCGAGGGGCAGCTGGTCAG-3'
Protein context (NP_005026.3, residues 246-266): LVVHHGQRQK[Arg256Gln]KLLTLDMYNA

ClinVar aggregate classification (germline): Likely benign. Review status: criteria provided, multiple submitters, no conflicts (2 of 4 stars). 2 submissions from 2 submitters: Likely benign (2). Last evaluated 2022-08-01.

Allele frequency attached by ClinVar (database versions not stated): 1000 Genomes Project 30x 0.00016; gnomAD 0.00041; ExAC 0.00054; ESP Exome Variant Server 0.00062.
gnomAD v4.1: 1,200 of 1,599,038 alleles (0.075%); highest among the groups gnomAD compares: Non-Finnish European, 0.095%; 1 homozygote.

Submissions (2):

CeGaT Center for Human Genetics Tuebingen
Classification: Likely benign. Last evaluated: 2022-08-01. Review status: criteria provided, single submitter. Criteria: CeGaT Center For Human Genetics Tuebingen Variant Classification Criteria Version 2. Collection method: clinical testing. Allele origin: germline. Affected: yes. Observed: 1 variant allele.
Comment: POLRMT: BP4

Ambry Genetics
Classification: Likely benign. Last evaluated: 2021-09-28. Review status: criteria provided, single submitter. Criteria: Ambry Variant Classification Scheme 2023. Collection method: clinical testing. Allele origin: germline.